The following is an entry in ClinVar:

NM_021098.3(CACNA1H):c.6488G>C (p.Gly2163Ala)

Gene: CACNA1H (calcium voltage-gated channel subunit alpha1 H; plus strand). Cytogenetic location: 16p13.3.
Variant type: single nucleotide variant.
Coding change: c.6488G>C on transcript NM_021098.3 (MANE Select); coding-DNA position 6488, G replaced by C.
Protein change: p.Gly2163Ala; replaces glycine 2163 with alanine.
Molecular consequence: missense variant.
Genome position (GRCh38, 1-based): chr16:1,220,420, G>C. VCF-style: chr16-1220420-G-C. GRCh37 (hg19) VCF-style: chr16-1270420-G-C.
Other names: c.6470G>C, p.Gly2157Ala (NM_001005407.2); short protein forms G2163A, G2157A.
Identifiers: ClinVar variation 460169 (VCV000460169.10), dbSNP rs1348390859, ClinGen allele CA394149830.

ClinVar aggregate classification (germline): Uncertain significance (1 of 4 stars; one submission).

Conditions:
Hyperaldosteronism, familial, type IV (HALD4). Also called: FH IV; ALDOSTERONISM, PRIMARY, AND HYPERTENSION. Identifiers: Orphanet 642671, MedGen C4310756, MONDO:0014875, OMIM 617027.
Idiopathic generalized epilepsy. Also called: EIG; Generalised epilepsy. Identifiers: MedGen C0270850, MONDO:0005579, OMIM 600669.

Allele frequency attached by ClinVar (database versions not stated): gnomAD exomes below 0.00001; TOPMed below 0.00001; gnomAD 0.00001.
gnomAD v4.1: 2 of 1,530,996 alleles (0.00013%); highest among the groups gnomAD compares: Admixed American, 0.0022%; no homozygotes.

Submission:

Labcorp Genetics (formerly Invitae), Labcorp
Classification: Uncertain significance for Idiopathic generalized epilepsy; Hyperaldosteronism, familial, type IV. Last evaluated: 2019-06-20. Review status: criteria provided, single submitter. Criteria: Invitae Variant Classification Sherloc (09022015). Collection method: clinical testing. Allele origin: germline.
Comment: This sequence change replaces glycine with alanine at codon 2163 of the CACNA1H protein (p.Gly2163Ala). The glycine residue is weakly conserved and there is a small physicochemical difference between glycine and alanine. This variant is not present in population databases (ExAC no frequency). This variant has not been reported in the literature in individuals with CACNA1H-related disease. Algorithms developed to predict the effect of missense changes on protein structure and function do not agree on the potential impact of this missense change (SIFT: "Tolerated"; PolyPhen-2: "Possibly Damaging"; Align-GVGD: "Class C0"). In summary, the available evidence is currently insufficient to determine the role of this variant in disease. Therefore, it has been classified as a Variant of Uncertain Significance.